The following is an entry in ClinVar:

NM_000264.5(PTCH1):c.2684A>C (p.Lys895Thr)

Gene: PTCH1 (patched 1; minus strand). Cytogenetic location: 9q22.32.
Variant type: single nucleotide variant.
Coding change: c.2684A>C on transcript NM_000264.5 (MANE Select); coding-DNA position 2684, A replaced by C.
Protein change: p.Lys895Thr; replaces lysine 895 with threonine.
Molecular consequence: missense variant. On other transcripts: non-coding transcript variant (1).
Genome position (GRCh38, 1-based): chr9:95,461,875, T>G on the plus strand (A>C on the coding strand, the complement: PTCH1 is on the minus strand). VCF-style: chr9-95461875-T-G. GRCh37 (hg19) VCF-style: chr9-98224157-T-G.
Other names: c.2486A>C, p.Lys829Thr (NM_001083602.3); c.2681A>C, p.Lys894Thr (NM_001083603.3); c.2231A>C, p.Lys744Thr (NM_001083604.3, NM_001083605.3, NM_001083606.3 and 1 more transcripts); c.2528A>C, p.Lys843Thr (NM_001354918.2); c.2684A>C (NM_000264.3); short protein forms K744T, K829T, K843T, K894T, K895T.
Identifiers: ClinVar variation 999997 (VCV000999997.10), dbSNP rs1839503876, ClinGen allele CA374113318.
Genomic context (GRCh38, chr9:95,461,875, plus strand): 5'-GCAGCCCTGGAAGCGCCCTCAGTGCCCAGCAGCTGGAGTACCTGGCTGATGTCGATGGGC[T>G]TATCGCGGCTGCCGGTTTGCACCAGGAGTTTGTAGGCAAGGACTCCATCGTCTGATCCAT-3'
Protein context (NP_000255.2, residues 885-905): KLLVQTGSRD[Lys895Thr]PIDISQLTKQ

ClinVar aggregate classification (germline): Uncertain significance. Review status: criteria provided, multiple submitters, no conflicts (2 of 4 stars). 2 submissions from 2 submitters: Uncertain significance (2). Last evaluated 2024-04-20.

Conditions:
Gorlin syndrome. Also called: Basal cell nevus syndrome; Nevoid Basal Cell Carcinoma Syndrome. Identifiers: Orphanet 377, MedGen C0004779, MONDO:0007187.
Hereditary cancer-predisposing syndrome. Also called: Neoplastic Syndromes, Hereditary; Hereditary neoplastic syndrome; Hereditary Cancer Syndrome; Tumor predisposition. Identifiers: Orphanet 140162, MedGen C0027672, MeSH D009386, MONDO:0015356.

Submissions (2):

Ambry Genetics
Classification: Uncertain significance for Hereditary cancer-predisposing syndrome. Last evaluated: 2024-04-20. Review status: criteria provided, single submitter. Criteria: Ambry Variant Classification Scheme 2023. Collection method: clinical testing. Allele origin: germline.
Comment: The p.K895T variant (also known as c.2684A>C), located in coding exon 16 of the PTCH1 gene, results from an A to C substitution at nucleotide position 2684. The lysine at codon 895 is replaced by threonine, an amino acid with similar properties. This amino acid position is conserved. In addition, the in silico prediction for this alteration is inconclusive. Based on the available evidence, the clinical significance of this variant remains unclear.

Labcorp Genetics (formerly Invitae), Labcorp
Classification: Uncertain significance for Gorlin syndrome. Last evaluated: 2020-10-08. Review status: criteria provided, single submitter. Criteria: Invitae Variant Classification Sherloc (09022015). Collection method: clinical testing. Allele origin: germline.
Comment: In summary, the available evidence is currently insufficient to determine the role of this variant in disease. Therefore, it has been classified as a Variant of Uncertain Significance. Advanced modeling of protein sequence and biophysical properties (such as structural, functional, and spatial information, amino acid conservation, physicochemical variation, residue mobility, and thermodynamic stability) performed at Invitae indicates that this missense variant is not expected to disrupt PTCH1 protein function. This variant has not been reported in the literature in individuals with PTCH1-related conditions. This variant is not present in population databases (ExAC no frequency). This sequence change replaces lysine with threonine at codon 895 of the PTCH1 protein (p.Lys895Thr). The lysine residue is moderately conserved and there is a moderate physicochemical difference between lysine and threonine.